The following is an entry in ClinVar:

ClinVar aggregate classification (germline): Likely pathogenic (1 of 4 stars; one submission).

Conditions:
Congenital lactic acidosis, Saguenay-Lac-Saint-Jean type (MC4DN5). Also called: CYTOCHROME c OXIDASE DEFICIENCY, FRENCH CANADIAN TYPE; COX DEFICIENCY, FRENCH CANADIAN TYPE; MITOCHONDRIAL COMPLEX IV DEFICIENCY, NUCLEAR TYPE 5. Identifiers: Orphanet 70472, MedGen C1857355, MONDO:0009069, OMIM 220111.

Submission:

Natera, Inc.
Classification: Likely pathogenic for French-Canadian type Leigh syndrome. Last evaluated: 2025-02-26. Review status: criteria provided, single submitter. Criteria: Natera Variant Classification Schema (03/2026). Collection method: clinical testing. Allele origin: germline.
Comment: The c.979A>T variant in LRPPRC is a nonsense variant predicted to introduce a stop codon at amino acid 327. This variant is expected to result in nonsense mediated decay, truncation, or a dysfunctional protein product. This variant is rare in the general population with a frequency below the threshold expected for the associated phenotype(s). Given the available evidence, this variant is classified as Likely Pathogenic.

NM_133259.4(LRPPRC):c.979A>T (p.Lys327Ter)

Gene: LRPPRC (leucine rich pentatricopeptide repeat containing; minus strand). Cytogenetic location: 2p21.
Variant type: single nucleotide variant.
Coding change: c.979A>T on transcript NM_133259.4 (MANE Select); coding-DNA position 979, A replaced by T.
Protein change: p.Lys327Ter; replaces lysine 327 with a stop codon.
Molecular consequence: nonsense.
Genome position (GRCh38, 1-based): chr2:43,974,644, T>A on the plus strand (A>T on the coding strand, the complement: LRPPRC is on the minus strand). VCF-style: chr2-43974644-T-A. GRCh37 (hg19) VCF-style: chr2-44201783-T-A.
Other names: short protein forms K327*.
Identifiers: ClinVar variation 4070256 (VCV004070256.2).